The following is an entry in ClinVar:

ClinVar aggregate classification (germline): Pathogenic (1 of 4 stars; one submission).

Conditions:
Neurofibromatosis, type 1 (NF1). Also called: Peripheral type neurofibromatosis; VON RECKLINGHAUSEN DISEASE; NEUROFIBROMATOSIS, TYPE I, SOMATIC; Neurofibromatosis, type I. Identifiers: Orphanet 636, MedGen C0027831, MONDO:0018975, OMIM 162200. Disease mechanism: loss of function.

Submission:

Labcorp Genetics (formerly Invitae), Labcorp
Classification: Pathogenic for Neurofibromatosis, type 1. Last evaluated: 2024-08-05. Review status: criteria provided, single submitter. Criteria: Invitae Variant Classification Sherloc (09022015). Collection method: clinical testing. Allele origin: germline.
Comment: This sequence change creates a premature translational stop signal (p.Thr1520Hisfs*23) in the NF1 gene. It is expected to result in an absent or disrupted protein product. Loss-of-function variants in NF1 are known to be pathogenic (PMID: 10712197, 23913538). This variant is not present in population databases (gnomAD no frequency). This variant has not been reported in the literature in individuals affected with NF1-related conditions. Algorithms developed to predict the effect of sequence changes on RNA splicing suggest that this variant may disrupt the consensus splice site. For these reasons, this variant has been classified as Pathogenic.

Literature cited by the submitters: PubMed 10712197; PubMed 23913538.

NM_001042492.3(NF1):c.4620_4621insC (p.Thr1541fs)

Gene: NF1 (neurofibromin 1; plus strand). Cytogenetic location: 17q11.2.
Variant type: Insertion.
Coding change: c.4620_4621insC on transcript NM_001042492.3 (MANE Select); coding-DNA positions 4620 to 4621, C inserted.
Protein change: p.Thr1541fs; shifts the reading frame from threonine 1541.
Molecular consequence: frameshift variant.
Genome position: GRCh38 VCF-style: chr17-31261753-A-AC. GRCh37 (hg19) VCF-style: chr17-29588771-A-AC.
Other names: c.4557_4558insC, p.Thr1520Hisfs (NM_000267.4); short protein forms T1541fs, T1520fs.
Identifiers: ClinVar variation 3661427 (VCV003661427.2).